The following is an entry in ClinVar:

NM_001042492.3(NF1):c.6425del (p.Ser2142fs)

Gene: NF1 (neurofibromin 1; plus strand). Cytogenetic location: 17q11.2.
Variant type: Deletion.
Coding change: c.6425del on transcript NM_001042492.3 (MANE Select); coding-DNA position 6425, one base deleted (G; older notation c.6425delG).
Protein change: p.Ser2142fs; shifts the reading frame from serine 2142.
Molecular consequence: frameshift variant.
Genome position (GRCh38, 1-based): chr17:31,336,912, G deleted. VCF-style (leftmost placement, unchanged base first): chr17-31336911-AG-A. GRCh37 (hg19) VCF-style: chr17-29663929-AG-A.
Other names: c.6362delG (NM_000267.3); c.6362delG, p.Ser2121Metfs (NM_000267.4); short protein forms S2121fs, S2142fs.
Identifiers: ClinVar variation 952633 (VCV000952633.8), dbSNP rs2069691466, ClinGen allele CA1139665447.

ClinVar aggregate classification (germline): Pathogenic. Review status: criteria provided, multiple submitters, no conflicts (2 of 4 stars). 3 submissions from 3 submitters: Pathogenic (3). Last evaluated 2022-03-15.

Conditions:
Neurofibromatosis, type 1 (NF1). Also called: VON RECKLINGHAUSEN DISEASE; NEUROFIBROMATOSIS, TYPE I, SOMATIC; Peripheral type neurofibromatosis; Neurofibromatosis, type I. Identifiers: Orphanet 636, MedGen C0027831, MONDO:0018975, OMIM 162200. Disease mechanism: loss of function.

Submissions (3):

Genome-Nilou Lab
Classification: Pathogenic for Neurofibromatosis, type 1. Last evaluated: 2022-03-15. Review status: criteria provided, single submitter. Criteria: ACMG Guidelines, 2015. Collection method: clinical testing. Allele origin: germline. Affected: no.

Labcorp Genetics (formerly Invitae), Labcorp
Classification: Pathogenic for Neurofibromatosis, type 1. Last evaluated: 2021-07-14. Review status: criteria provided, single submitter. Criteria: Invitae Variant Classification Sherloc (09022015). Collection method: clinical testing. Allele origin: germline.
Comment: For these reasons, this variant has been classified as Pathogenic. This variant has not been reported in the literature in individuals with NF1-related conditions. This variant is not present in population databases (ExAC no frequency). This sequence change creates a premature translational stop signal (p.Ser2121Metfs*8) in the NF1 gene. It is expected to result in an absent or disrupted protein product. Loss-of-function variants in NF1 are known to be pathogenic (PMID: 10712197, 23913538).

GeneDx
Classification: Pathogenic. Last evaluated: 2021-03-02. Review status: criteria provided, single submitter. Criteria: GeneDx Variant Classification (06012015). Collection method: clinical testing. Allele origin: germline. Affected: yes.
Comment: Frameshift variant predicted to result in protein truncation or nonsense mediated decay in a gene for which loss-of-function is a known mechanism of disease; Not observed in large population cohorts (Lek 2016); Has not been previously published as pathogenic or benign to our knowledge

Literature cited by the submitters: PubMed 10712197 (cited by Labcorp Genetics (formerly Invitae), Labcorp); PubMed 23913538 (cited by Labcorp Genetics (formerly Invitae), Labcorp).